The following is an entry in ClinVar:

ClinVar aggregate classification (germline): Uncertain significance (1 of 4 stars; one submission).

Conditions:
Hypertrophic cardiomyopathy 14. Identifiers: MedGen C2750467, MONDO:0013197, OMIM 613251.

gnomAD v4.1: 2 of 1,614,036 alleles (0.00012%); highest among the groups gnomAD compares: South Asian, 0.0022%; no homozygotes.

Submission:

Labcorp Genetics (formerly Invitae), Labcorp
Classification: Uncertain significance for Hypertrophic cardiomyopathy 14. Last evaluated: 2025-04-24. Review status: criteria provided, single submitter. Criteria: Invitae Variant Classification Sherloc (09022015). Collection method: clinical testing. Allele origin: germline.
Comment: This sequence change replaces asparagine, which is neutral and polar, with serine, which is neutral and polar, at codon 1635 of the MYH6 protein (p.Asn1635Ser). This variant is not present in population databases (gnomAD no frequency). This variant has not been reported in the literature in individuals affected with MYH6-related conditions. Invitae Evidence Modeling of protein sequence and biophysical properties (such as structural, functional, and spatial information, amino acid conservation, physicochemical variation, residue mobility, and thermodynamic stability) indicates that this missense variant is not expected to disrupt MYH6 protein function with a negative predictive value of 80%. In summary, the available evidence is currently insufficient to determine the role of this variant in disease. Therefore, it has been classified as a Variant of Uncertain Significance.

NM_002471.4(MYH6):c.4904A>G (p.Asn1635Ser)

Genes: MYH6 (myosin heavy chain 6; minus strand), LOC126861896 (BRD4-independent group 4 enhancer GRCh37_chr14:23854904-23856103; plus strand). Cytogenetic location: 14q11.2.
Variant type: single nucleotide variant.
Coding change: c.4904A>G on transcript NM_002471.4 (MANE Select); coding-DNA position 4904, A replaced by G.
Protein change: p.Asn1635Ser; replaces asparagine 1635 with serine.
Molecular consequence: missense variant.
Genome position (GRCh38, 1-based): chr14:23,386,370, T>C on the plus strand (A>G on the coding strand, the complement: MYH6 is on the minus strand). VCF-style: chr14-23386370-T-C. GRCh37 (hg19) VCF-style: chr14-23855579-T-C.
Other names: short protein forms N1635S.
Identifiers: ClinVar variation 4692374 (VCV004692374.1).